The following is an entry in ClinVar:

ClinVar aggregate classification (germline): Uncertain significance (1 of 4 stars; one submission).

Conditions:
Charcot-Marie-Tooth disease recessive intermediate C. Also called: CHARCOT-MARIE-TOOTH NEUROPATHY, RECESSIVE INTERMEDIATE C. Identifiers: Orphanet 369867, MedGen C3809309, MONDO:0014154, OMIM 615376.
Neuronopathy, distal hereditary motor, autosomal recessive 4. Also called: NEUROPATHY, DISTAL HEREDITARY MOTOR, AUTOSOMAL RECESSIVE 4; Autosomal recessive lower motor neuron disease with childhood onset. Identifiers: Orphanet 206580, MedGen C1970211, MONDO:0012608, OMIM 611067.

gnomAD v4.1: 1 of 1,569,514 alleles (0.000064%); highest among the groups gnomAD compares: Non-Finnish European, 0.000086%; no homozygotes.

Submission:

Labcorp Genetics (formerly Invitae), Labcorp
Classification: Uncertain significance for Neuronopathy, distal hereditary motor, autosomal recessive 4; Charcot-Marie-Tooth disease recessive intermediate C. Last evaluated: 2022-06-13. Review status: criteria provided, single submitter. Criteria: Invitae Variant Classification Sherloc (09022015). Collection method: clinical testing. Allele origin: germline.
Comment: In summary, the available evidence is currently insufficient to determine the role of this variant in disease. Therefore, it has been classified as a Variant of Uncertain Significance. Algorithms developed to predict the effect of missense changes on protein structure and function (SIFT, PolyPhen-2, Align-GVGD) all suggest that this variant is likely to be tolerated. ClinVar contains an entry for this variant (Variation ID: 1054790). This variant has not been reported in the literature in individuals affected with PLEKHG5-related conditions. This variant is not present in population databases (gnomAD no frequency). This sequence change replaces threonine, which is neutral and polar, with isoleucine, which is neutral and non-polar, at codon 891 of the PLEKHG5 protein (p.Thr891Ile).

NM_020631.6(PLEKHG5):c.2672C>T (p.Thr891Ile)

Gene: PLEKHG5 (pleckstrin homology and RhoGEF domain containing G5; minus strand). Cytogenetic location: 1p36.31.
Variant type: single nucleotide variant.
Coding change: c.2672C>T on transcript NM_020631.6 (MANE Select); coding-DNA position 2672, C replaced by T.
Protein change: p.Thr891Ile; replaces threonine 891 with isoleucine.
Molecular consequence: missense variant.
Genome position (GRCh38, 1-based): chr1:6,468,164, G>A on the plus strand (C>T on the coding strand, the complement: PLEKHG5 is on the minus strand). VCF-style: chr1-6468164-G-A. GRCh37 (hg19) VCF-style: chr1-6528224-G-A.
Other names: c.2783C>T, p.Thr928Ile (NM_001042663.3, NM_001265592.2); c.2672C>T, p.Thr891Ile (NM_001042664.2, NM_001265594.3, NM_198681.4 and 1 more transcripts); c.2879C>T, p.Thr960Ile (NM_001265593.2); short protein forms T891I, T928I, T960I.
Identifiers: ClinVar variation 1054790 (VCV001054790.12), dbSNP rs2148575479, ClinGen allele CA338115384.